The following is an entry in ClinVar:

NM_152328.5(ADSS1):c.1172-2A>G

Gene: ADSS1 (adenylosuccinate synthase 1; plus strand). Cytogenetic location: 14q32.33.
Variant type: single nucleotide variant.
Coding change: c.1172-2A>G on transcript NM_152328.5 (MANE Select); the canonical splice acceptor site of the intron before coding-DNA position 1172, A replaced by G.
Molecular consequence: splice acceptor variant.
Genome position (GRCh38, 1-based): chr14:104,746,234, A>G. VCF-style: chr14-104746234-A-G. GRCh37 (hg19) VCF-style: chr14-105212571-A-G.
Other names: c.1301-2A>G (NM_199165.2); c.557-2A>G (NM_001320424.1).
Identifiers: ClinVar variation 1682016 (VCV001682016.6), dbSNP rs2140833479, ClinGen allele CA391244686.

ClinVar aggregate classification (germline): Likely pathogenic (1 of 4 stars; one submission).

gnomAD v4.1: 1 of 1,605,920 alleles (0.000062%); no homozygotes.

Submission:

Labcorp Genetics (formerly Invitae), Labcorp
Classification: Likely pathogenic. Last evaluated: 2022-08-16. Review status: criteria provided, single submitter. Criteria: Invitae Variant Classification Sherloc (09022015). Collection method: clinical testing. Allele origin: germline.
Comment: In summary, the currently available evidence indicates that the variant is pathogenic, but additional data are needed to prove that conclusively. Therefore, this variant has been classified as Likely Pathogenic. Algorithms developed to predict the effect of sequence changes on RNA splicing suggest that this variant may disrupt the consensus splice site. ClinVar contains an entry for this variant (Variation ID: 1682016). This variant has not been reported in the literature in individuals affected with ADSSL1-related conditions. This variant is not present in population databases (gnomAD no frequency). This sequence change affects an acceptor splice site in intron 11 of the ADSSL1 gene. It is expected to disrupt RNA splicing. Variants that disrupt the donor or acceptor splice site typically lead to a loss of protein function (PMID: 16199547), and loss-of-function variants in ADSSL1 are known to be pathogenic (PMID: 26506222).

Literature cited by the submitters: PubMed 16199547; PubMed 26506222.